The following is an entry in ClinVar:

ClinVar aggregate classification (germline): Uncertain significance (1 of 4 stars; one submission).

Allele frequency attached by ClinVar (database versions not stated): gnomAD exomes 0.00001; gnomAD 0.00001; ExAC 0.00002.
gnomAD v4.1: 9 of 1,606,406 alleles (0.00056%); highest among the groups gnomAD compares: South Asian, 0.0022%; no homozygotes.

Submission:

Labcorp Genetics (formerly Invitae), Labcorp
Classification: Uncertain significance. Last evaluated: 2025-12-08. Review status: criteria provided, single submitter. Criteria: Invitae Variant Classification Sherloc (09022015). Collection method: clinical testing. Allele origin: germline.
Comment: This sequence change replaces leucine, which is neutral and non-polar, with proline, which is neutral and non-polar, at codon 567 of the GPAA1 protein (p.Leu567Pro). This variant is present in population databases (rs782199600, gnomAD 0.003%). This variant has not been reported in the literature in individuals affected with GPAA1-related conditions. ClinVar contains an entry for this variant (Variation ID: 1375652). Invitae Evidence Modeling of protein sequence and biophysical properties (such as structural, functional, and spatial information, amino acid conservation, physicochemical variation, residue mobility, and thermodynamic stability) indicates that this missense variant is expected to disrupt GPAA1 protein function with a positive predictive value of 80%. In summary, the available evidence is currently insufficient to determine the role of this variant in disease. Therefore, it has been classified as a Variant of Uncertain Significance.

NM_003801.4(GPAA1):c.1700T>C (p.Leu567Pro)

Gene: GPAA1 (glycosylphosphatidylinositol anchor attachment 1; plus strand). Cytogenetic location: 8q24.3.
Variant type: single nucleotide variant.
Coding change: c.1700T>C on transcript NM_003801.4 (MANE Select); coding-DNA position 1700, T replaced by C.
Protein change: p.Leu567Pro; replaces leucine 567 with proline.
Molecular consequence: missense variant.
Genome position (GRCh38, 1-based): chr8:144,085,959, T>C. VCF-style: chr8-144085959-T-C. GRCh37 (hg19) VCF-style: chr8-145140862-T-C.
Other names: short protein forms L567P.
Identifiers: ClinVar variation 1375652 (VCV001375652.6), dbSNP rs782199600, ClinGen allele CA4933238.